The following is an entry in ClinVar:

ClinVar aggregate classification (germline): Pathogenic (1 of 4 stars; one submission).

Submission:

Labcorp Genetics (formerly Invitae), Labcorp
Classification: Pathogenic. Last evaluated: 2023-12-04. Review status: criteria provided, single submitter. Criteria: Invitae Variant Classification Sherloc (09022015). Collection method: clinical testing. Allele origin: germline.
Comment: This sequence change creates a premature translational stop signal (p.Tyr2785*) in the ADGRV1 gene. It is expected to result in an absent or disrupted protein product. Loss-of-function variants in ADGRV1 are known to be pathogenic (PMID: 19357117, 22135276, 22147658, 26226137, 30718709, 31047384, 32467589). This variant is not present in population databases (gnomAD no frequency). This variant has not been reported in the literature in individuals affected with ADGRV1-related conditions. For these reasons, this variant has been classified as Pathogenic.

Literature cited by the submitters: PubMed 19357117; PubMed 22135276; PubMed 22147658; PubMed 26226137; PubMed 30718709; PubMed 31047384; PubMed 32467589.

NM_032119.4(ADGRV1):c.8355C>A (p.Tyr2785Ter)

Gene: ADGRV1 (adhesion G protein-coupled receptor V1; plus strand). Cytogenetic location: 5q14.3.
Variant type: single nucleotide variant.
Coding change: c.8355C>A on transcript NM_032119.4 (MANE Select); coding-DNA position 8355, C replaced by A.
Protein change: p.Tyr2785Ter; replaces tyrosine 2785 with a stop codon.
Molecular consequence: nonsense. On other transcripts: non-coding transcript variant (1).
Genome position (GRCh38, 1-based): chr5:90,704,457, C>A. VCF-style: chr5-90704457-C-A. GRCh37 (hg19) VCF-style: chr5-90000274-C-A.
Other names: short protein forms Y2785*.
Identifiers: ClinVar variation 2791289 (VCV002791289.3), dbSNP rs762598540, ClinGen allele CA360389962.